The following is an entry in ClinVar:

NM_018946.4(NANS):c.242A>T (p.Tyr81Phe)

Genes: NANS (N-acetylneuraminate synthase; plus strand), TRIM14 (tripartite motif containing 14; minus strand). Cytogenetic location: 9q22.33.
Variant type: single nucleotide variant.
Coding change: c.242A>T on transcript NM_018946.4 (MANE Select); coding-DNA position 242, A replaced by T.
Protein change: p.Tyr81Phe; replaces tyrosine 81 with phenylalanine.
Molecular consequence: missense variant.
Genome position (GRCh38, 1-based): chr9:98,060,891, A>T. VCF-style: chr9-98060891-A-T. GRCh37 (hg19) VCF-style: chr9-100823173-A-T.
Other names: short protein forms Y81F.
Identifiers: ClinVar variation 4854320 (VCV004854320.1).

ClinVar aggregate classification (germline): Uncertain significance (1 of 4 stars; one submission).

Conditions:
Spondyloepimetaphyseal dysplasia, Genevieve type. Also called: NANS DEFICIENCY; SEMD Genevieve type. Identifiers: Orphanet 168454, MedGen C1864872, MONDO:0012495, OMIM 610442.

Submission:

3billion
Classification: Uncertain significance for Spondyloepimetaphyseal dysplasia, Genevieve type. Last evaluated: 2026-01-19. Review status: criteria provided, single submitter. Criteria: ACMG Guidelines, 2015. Collection method: clinical testing. Allele origin: germline. Affected: yes.
Comment: The variant is not observed in the gnomAD v4.1.0 dataset. Predicted Consequence/Location: Missense variant Therefore, this variant is classified as VUS according to the recommendation of ACMG/AMP guideline.